The following is an entry in ClinVar:

ClinVar aggregate classification (germline): Uncertain significance. Review status: criteria provided, multiple submitters, no conflicts (2 of 4 stars). 3 submissions from 3 submitters: Uncertain significance (3). Last evaluated 2024-10-08.

Conditions:
Inborn genetic diseases. Identifiers: MedGen C0950123, MeSH D030342.
Intellectual disability, autosomal recessive 53 (NEDHSCA). Also called: GLYCOSYLPHOSPHATIDYLINOSITOL BIOSYNTHESIS DEFECT 13; Mental retardation, autosomal recessive 53; NEURODEVELOPMENTAL DISORDER WITH OR WITHOUT HYPOTONIA, SEIZURES, AND CEREBELLAR ATROPHY. Identifiers: Orphanet 488635, MedGen C4310794, MONDO:0014832, OMIM 616917.

Allele frequency attached by ClinVar (database versions not stated): gnomAD 0.00001; gnomAD exomes 0.00001; TOPMed 0.00002.
gnomAD v4.1: 8 of 1,610,074 alleles (0.0005%); highest among the groups gnomAD compares: Non-Finnish European, 0.00068%; no homozygotes.

Submissions (3):

Ambry Genetics
Classification: Uncertain significance for Inborn genetic diseases. Last evaluated: 2024-10-08. Review status: criteria provided, single submitter. Criteria: Ambry Variant Classification Scheme 2023. Collection method: clinical testing. Allele origin: germline.

Labcorp Genetics (formerly Invitae), Labcorp
Classification: Uncertain significance for Intellectual disability, autosomal recessive 53. Last evaluated: 2021-12-31. Review status: criteria provided, single submitter. Criteria: Invitae Variant Classification Sherloc (09022015). Collection method: clinical testing. Allele origin: germline.
Comment: This sequence change replaces isoleucine, which is neutral and non-polar, with threonine, which is neutral and polar, at codon 15 of the PIGG protein (p.Ile15Thr). This variant is not present in population databases (gnomAD no frequency). This variant has not been reported in the literature in individuals affected with PIGG-related conditions. ClinVar contains an entry for this variant (Variation ID: 657129). Algorithms developed to predict the effect of missense changes on protein structure and function (SIFT, PolyPhen-2, Align-GVGD) all suggest that this variant is likely to be tolerated. In summary, the available evidence is currently insufficient to determine the role of this variant in disease. Therefore, it has been classified as a Variant of Uncertain Significance.

Blueprint Genetics
Classification: Uncertain significance. Last evaluated: 2021-07-07. Review status: criteria provided, single submitter. Criteria: ACMG Guidelines, 2015. Collection method: clinical testing. Allele origin: germline.

NM_001127178.3(PIGG):c.44T>C (p.Ile15Thr)

Gene: PIGG (phosphatidylinositol glycan anchor biosynthesis class G (EMM blood group); plus strand). Cytogenetic location: 4p16.3.
Variant type: single nucleotide variant.
Coding change: c.44T>C on transcript NM_001127178.3 (MANE Select); coding-DNA position 44, T replaced by C.
Protein change: p.Ile15Thr; replaces isoleucine 15 with threonine.
Molecular consequence: missense variant. On other transcripts: 5 prime UTR variant (9), non-coding transcript variant (10), intron variant (1).
Genome position (GRCh38, 1-based): chr4:499,379, T>C. VCF-style: chr4-499379-T-C. GRCh37 (hg19) VCF-style: chr4-493168-T-C.
Other names: c.44T>C (NM_001127178.1); c.44T>C, p.Ile15Thr (NM_001289052.2, NM_001345989.2, NM_017733.5); c.-782T>C (NM_001289053.2); c.-393T>C (NM_001289055.2); c.-460T>C (NM_001289057.2, NM_001345986.2, NM_001345987.2); c.-1080T>C (NM_001345988.2); c.-1582T>C (NM_001345990.2); c.-1680T>C (NM_001345991.2); and 2 more; short protein forms I15T.
Identifiers: ClinVar variation 657129 (VCV000657129.8), dbSNP rs1406764492, ClinGen allele CA355888473.